The following is an entry in ClinVar:

ClinVar aggregate classification (germline): Uncertain significance (1 of 4 stars; one submission).

Allele frequency attached by ClinVar (database versions not stated): TOPMed below 0.00001.

Submission:

Labcorp Genetics (formerly Invitae), Labcorp
Classification: Uncertain significance. Last evaluated: 2022-01-14. Review status: criteria provided, single submitter. Criteria: Invitae Variant Classification Sherloc (09022015). Collection method: clinical testing. Allele origin: germline.
Comment: This sequence change replaces glutamine, which is neutral and polar, with lysine, which is basic and polar, at codon 1331 of the PCLO protein (p.Gln1331Lys). This variant is not present in population databases (gnomAD no frequency). This variant has not been reported in the literature in individuals affected with PCLO-related conditions. Algorithms developed to predict the effect of missense changes on protein structure and function are either unavailable or do not agree on the potential impact of this missense change (SIFT: "Tolerated"; PolyPhen-2: "Not Available"; Align-GVGD: "Class C0"). In summary, the available evidence is currently insufficient to determine the role of this variant in disease. Therefore, it has been classified as a Variant of Uncertain Significance.

NM_033026.6(PCLO):c.3991C>A (p.Gln1331Lys)

Gene: PCLO (piccolo presynaptic cytomatrix protein; minus strand). Cytogenetic location: 7q21.11.
Variant type: single nucleotide variant.
Coding change: c.3991C>A on transcript NM_033026.6 (MANE Select); coding-DNA position 3991, C replaced by A.
Protein change: p.Gln1331Lys; replaces glutamine 1331 with lysine.
Molecular consequence: missense variant.
Genome position (GRCh38, 1-based): chr7:82,965,797, G>T on the plus strand (C>A on the coding strand, the complement: PCLO is on the minus strand). VCF-style: chr7-82965797-G-T. GRCh37 (hg19) VCF-style: chr7-82595113-G-T.
Other names: c.3991C>A, p.Gln1331Lys (NM_014510.3); short protein forms Q1331K.
Identifiers: ClinVar variation 1405424 (VCV001405424.7), dbSNP rs267601598, ClinGen allele CA367930840.